The following is an entry in ClinVar:

ClinVar aggregate classification (germline): Uncertain significance (1 of 4 stars; one submission).

Allele frequency attached by ClinVar (database versions not stated): gnomAD exomes below 0.00001 and 0.00001; gnomAD 0.00001; TOPMed 0.00001.

Submission:

Labcorp Genetics (formerly Invitae), Labcorp
Classification: Uncertain significance. Last evaluated: 2024-06-10. Review status: criteria provided, single submitter. Criteria: Invitae Variant Classification Sherloc (09022015). Collection method: clinical testing. Allele origin: germline.
Comment: This sequence change replaces valine, which is neutral and non-polar, with alanine, which is neutral and non-polar, at codon 103 of the PDE6B protein (p.Val103Ala). This variant is present in population databases (rs769212020, gnomAD 0.001%). This variant has not been reported in the literature in individuals affected with PDE6B-related conditions. ClinVar contains an entry for this variant (Variation ID: 1025569). Advanced modeling of protein sequence and biophysical properties (such as structural, functional, and spatial information, amino acid conservation, physicochemical variation, residue mobility, and thermodynamic stability) performed at Invitae indicates that this missense variant is not expected to disrupt PDE6B protein function with a negative predictive value of 95%. In summary, the available evidence is currently insufficient to determine the role of this variant in disease. Therefore, it has been classified as a Variant of Uncertain Significance.

NM_000283.4(PDE6B):c.308T>C (p.Val103Ala)

Gene: PDE6B (phosphodiesterase 6B; plus strand). Cytogenetic location: 4p16.3.
Variant type: single nucleotide variant.
Coding change: c.308T>C on transcript NM_000283.4 (MANE Select); coding-DNA position 308, T replaced by C.
Protein change: p.Val103Ala; replaces valine 103 with alanine.
Molecular consequence: missense variant.
Genome position (GRCh38, 1-based): chr4:625,934, T>C. VCF-style: chr4-625934-T-C. GRCh37 (hg19) VCF-style: chr4-619723-T-C.
Other names: c.308T>C, p.Val103Ala (NM_001145291.2); short protein forms V103A.
Identifiers: ClinVar variation 1025569 (VCV001025569.8), dbSNP rs769212020, ClinGen allele CA91052303.